The following is an entry in ClinVar:

ClinVar aggregate classification (germline): Benign (0 of 4 stars; one submission).

Conditions:
LENG8-related disorder. Also called: LENG8-related condition.

Allele frequency attached by ClinVar (database versions not stated): gnomAD exomes 0.00239; ExAC 0.00739; gnomAD 0.02137; ESP Exome Variant Server 0.02407; TOPMed 0.02411; 1000 Genomes Project 0.02536; 1000 Genomes Project 30x 0.02748.
gnomAD v4.1: 6,870 of 1,606,908 alleles (0.43%); highest among the groups gnomAD compares: African/African-American, 7%; 195 homozygotes.

Submission:

PreventionGenetics, part of Exact Sciences
Classification: Benign for LENG8-related condition. Last evaluated: 2019-05-08. Review status: no assertion criteria provided. Collection method: clinical testing. Allele origin: germline.
Comment: This variant is classified as benign based on ACMG/AMP sequence variant interpretation guidelines (Richards et al. 2015 PMID: 25741868, with internal and published modifications).

NM_052925.4(LENG8):c.1732-9C>T

Gene: LENG8 (leukocyte receptor cluster member 8; plus strand). Cytogenetic location: 19q13.42.
Variant type: single nucleotide variant.
Coding change: c.1732-9C>T on transcript NM_052925.4 (MANE Select); 9 bases into the intron before coding-DNA position 1732, C replaced by T.
Molecular consequence: intron variant.
Genome position (GRCh38, 1-based): chr19:54,457,738, C>T. VCF-style: chr19-54457738-C-T. GRCh37 (hg19) VCF-style: chr19-54968917-C-T.
Other names: c.1732-9C>T (NM_001375638.1, NM_001375641.1, NM_001375640.1); c.1678-9C>T (NM_001375639.1); c.1621-9C>T (NM_001411063.1).
Identifiers: ClinVar variation 3037173 (VCV003037173.2), dbSNP rs79857932, ClinGen allele CA309660175.